The following is an entry in ClinVar:

NM_006941.4(SOX10):c.192_193del (p.Asp64fs)

Genes: POLR2F (RNA polymerase II, I and III subunit F; plus strand), SOX10 (SRY-box transcription factor 10; minus strand). Cytogenetic location: 22q13.1.
Variant type: Deletion.
Coding change: c.192_193del on transcript NM_006941.4 (MANE Select); coding-DNA positions 192 to 193, 2 bases deleted (CG; older notation c.192_193delCG).
Protein change: p.Asp64fs; shifts the reading frame from aspartic acid 64.
Molecular consequence: frameshift variant. On other transcripts: intron variant (3).
Genome position (GRCh38, 1-based): chr22:37,983,592-37,983,593, CG deleted on the plus strand (CG on the coding strand, the reverse complement: SOX10 is on the minus strand). VCF-style (leftmost placement, unchanged base first): chr22-37983591-TCG-T. GRCh37 (hg19) VCF-style: chr22-38379598-TCG-T.
Other names: c.*38+11282_*38+11283del (NM_001363825.1); c.294-2562_294-2561del (NM_001301130.2); c.293+16422_293+16423del (NM_001301131.2); short protein forms D64fs.
Identifiers: ClinVar variation 4714818 (VCV004714818.1).

ClinVar aggregate classification (germline): Pathogenic (1 of 4 stars; one submission).

Submission:

Labcorp Genetics (formerly Invitae), Labcorp
Classification: Pathogenic. Last evaluated: 2025-03-16. Review status: criteria provided, single submitter. Criteria: Invitae Variant Classification Sherloc (09022015). Collection method: clinical testing. Allele origin: germline.
Comment: This sequence change creates a premature translational stop signal (p.Asp64Glufs*2) in the SOX10 gene. It is expected to result in an absent or disrupted protein product. Loss-of-function variants in SOX10 are known to be pathogenic (PMID: 9462749, 15004559, 21965087, 33442024). This variant is not present in population databases (gnomAD no frequency). This variant has not been reported in the literature in individuals affected with SOX10-related conditions. For these reasons, this variant has been classified as Pathogenic.

Literature cited by the submitters: PubMed 9462749; PubMed 15004559; PubMed 21965087; PubMed 33442024.